The following is an entry in ClinVar:

ClinVar aggregate classification (germline): Uncertain significance (1 of 4 stars; one submission).

Conditions:
Camptomelic dysplasia (CMPD). Also called: Campomelic Dysplasia; CMPD1/SRA1. Identifiers: Orphanet 140, MedGen C1861922, MONDO:0007251, OMIM 114290.

gnomAD v4.1: 2 of 1,612,640 alleles (0.00012%); no homozygotes.

Submission:

Labcorp Genetics (formerly Invitae), Labcorp
Classification: Uncertain significance for Camptomelic dysplasia. Last evaluated: 2023-05-09. Review status: criteria provided, single submitter. Criteria: Invitae Variant Classification Sherloc (09022015). Collection method: clinical testing. Allele origin: germline.
Comment: Advanced modeling of protein sequence and biophysical properties (such as structural, functional, and spatial information, amino acid conservation, physicochemical variation, residue mobility, and thermodynamic stability) performed at Invitae indicates that this missense variant is expected to disrupt SOX9 protein function. This variant has not been reported in the literature in individuals affected with SOX9-related conditions. This variant is not present in population databases (gnomAD no frequency). This sequence change replaces leucine, which is neutral and non-polar, with proline, which is neutral and non-polar, at codon 18 of the SOX9 protein (p.Leu18Pro). In summary, the available evidence is currently insufficient to determine the role of this variant in disease. Therefore, it has been classified as a Variant of Uncertain Significance.

NM_000346.4(SOX9):c.53T>C (p.Leu18Pro)

Genes: SOX9 (SRY-box transcription factor 9; plus strand), LOC108021846 (SOX9 promoter region; plus strand). Cytogenetic location: 17q24.3.
Variant type: single nucleotide variant.
Coding change: c.53T>C on transcript NM_000346.4 (MANE Select); coding-DNA position 53, T replaced by C.
Protein change: p.Leu18Pro; replaces leucine 18 with proline.
Molecular consequence: missense variant.
Genome position (GRCh38, 1-based): chr17:72,121,444, T>C. VCF-style: chr17-72121444-T-C. GRCh37 (hg19) VCF-style: chr17-70117585-T-C.
Other names: short protein forms L18P.
Identifiers: ClinVar variation 2862825 (VCV002862825.3), dbSNP rs770996719, ClinGen allele CA400865417.